The following is an entry in ClinVar:

ClinVar aggregate classification (germline): Uncertain significance (1 of 4 stars; one submission).

gnomAD v4.1: 1 of 1,613,998 alleles (0.000062%); highest among the groups gnomAD compares: Non-Finnish European, 0.000085%; no homozygotes.

Submission:

GeneDx
Classification: Uncertain significance. Last evaluated: 2024-12-16. Review status: criteria provided, single submitter. Criteria: GeneDx Variant Classification Process June 2021. Collection method: clinical testing. Allele origin: germline. Affected: yes.
Comment: Not observed at significant frequency in large population cohorts (gnomAD); In silico analysis supports that this missense variant has a deleterious effect on protein structure/function; Has not been previously published as pathogenic or benign to our knowledge

NM_001130438.3(SPTAN1):c.695A>C (p.Glu232Ala)

Gene: SPTAN1 (spectrin alpha, non-erythrocytic 1; plus strand). Cytogenetic location: 9q34.11.
Variant type: single nucleotide variant.
Coding change: c.695A>C on transcript NM_001130438.3 (MANE Select); coding-DNA position 695, A replaced by C.
Protein change: p.Glu232Ala; replaces glutamic acid 232 with alanine.
Molecular consequence: missense variant.
Genome position (GRCh38, 1-based): chr9:128,576,866, A>C. VCF-style: chr9-128576866-A-C. GRCh37 (hg19) VCF-style: chr9-131339145-A-C.
Other names: c.695A>C, p.Glu232Ala (NM_001195532.2, NM_001363759.2, NM_001363765.2 and 5 more transcripts); c.731A>C, p.Glu244Ala (NM_001375312.2, NM_001375318.1); short protein forms E232A, E244A.
Identifiers: ClinVar variation 3903029 (VCV003903029.1).